The following is an entry in ClinVar:

NM_001267550.2(TTN):c.6041C>T (p.Thr2014Ile)

Gene: TTN (titin; minus strand). Cytogenetic location: 2q31.2.
Variant type: single nucleotide variant.
Coding change: c.6041C>T on transcript NM_001267550.2 (MANE Select); coding-DNA position 6041, C replaced by T.
Protein change: p.Thr2014Ile; replaces threonine 2014 with isoleucine.
Molecular consequence: missense variant.
Genome position (GRCh38, 1-based): chr2:178,775,823, G>A on the plus strand (C>T on the coding strand, the complement: TTN is on the minus strand). VCF-style: chr2-178775823-G-A. GRCh37 (hg19) VCF-style: chr2-179640550-G-A.
Other names: p.T2014I:ACC>ATC; c.5903C>T, p.Thr1968Ile (NM_003319.4, NM_133432.3, NM_133437.4); c.6041C>T, p.Thr2014Ile (NM_133378.4, NM_133379.5, NM_001256850.1); short protein forms T2014I, T1968I.
Identifiers: ClinVar variation 203142 (VCV000203142.16), dbSNP rs189149543, ClinGen allele CA311414.

ClinVar aggregate classification (germline): Benign/Likely benign. Review status: criteria provided, multiple submitters, no conflicts (2 of 4 stars). 5 submissions from 5 submitters: Benign (3); Likely benign (1). 1 of the submissions does not count toward it. Last evaluated 2025-12-09.

Conditions:
Cardiovascular phenotype. Identifiers: MedGen CN230736.
Autosomal recessive limb-girdle muscular dystrophy type 2J (LGMDR10). Also called: MUSCULAR DYSTROPHY, LIMB-GIRDLE, AUTOSOMAL RECESSIVE 10; Limb-girdle muscular dystrophy, type 2J. Identifiers: Orphanet 140922, MedGen C1837342, MONDO:0012127, OMIM 608807.
Dilated cardiomyopathy 1G (CMD1G). Identifiers: Orphanet 154, MedGen C1858763, MONDO:0011400, OMIM 604145.
Early-onset myopathy with fatal cardiomyopathy (CMYO5). Also called: CONGENITAL MYOPATHY 5 WITH CARDIOMYOPATHY; Salih Myopathy. Identifiers: Orphanet 289377, MedGen C2673677, MONDO:0012714, OMIM 611705. Disease mechanism: loss of function.
Myopathy, myofibrillar, 9, with early respiratory failure (MFM9). Also called: EDSTROM MYOPATHY; Hereditary myopathy with early respiratory failure; MYOPATHY, PROXIMAL, WITH EARLY RESPIRATORY MUSCLE INVOLVEMENT; Myopathy, distal, with early respiratory failure, autosomal dominant. Identifiers: Orphanet 178464, Orphanet 34521, MedGen C1863599, MONDO:0011362, OMIM 603689.
Tibial muscular dystrophy (TMD). Also called: Tibial muscular dystrophy, tardive; Udd Distal Myopathy – Tibial Muscular Dystrophy; UDD MYOPATHY. Identifiers: Orphanet 609, MedGen C1838244, MONDO:0010870, OMIM 600334.
Hypertrophic cardiomyopathy 9. Also called: Familial hypertrophic cardiomyopathy 9. Identifiers: MedGen C1861065, MONDO:0013412, OMIM 613765.

Allele frequency attached by ClinVar (database versions not stated): TOPMed 0.00005; 1000 Genomes Project 30x 0.00031; 1000 Genomes Project 0.00040; gnomAD exomes 0.00040 and 0.00095; gnomAD 0.00064 and 0.00070; ExAC 0.00076.
gnomAD v4.1: 693 of 1,613,932 alleles (0.043%); highest among the groups gnomAD compares: Non-Finnish European, 0.0048%; 5 homozygotes.

Submissions (5):

Labcorp Genetics (formerly Invitae), Labcorp
Classification: Benign for Dilated cardiomyopathy 1G; Autosomal recessive limb-girdle muscular dystrophy type 2J. Last evaluated: 2025-12-09. Review status: criteria provided, single submitter. Criteria: Invitae Variant Classification Sherloc (09022015). Collection method: clinical testing. Allele origin: germline.

Blueprint Genetics
Classification: Likely benign. Last evaluated: 2024-11-20. Review status: criteria provided, single submitter. Criteria: ACMG Guidelines, 2015. Collection method: clinical testing. Allele origin: germline.

Fulgent Genetics
Classification: Benign for Tibial muscular dystrophy; Myopathy, myofibrillar, 9, with early respiratory failure; Dilated cardiomyopathy 1G; Autosomal recessive limb-girdle muscular dystrophy type 2J; Early-onset myopathy with fatal cardiomyopathy; Hypertrophic cardiomyopathy 9. Last evaluated: 2021-10-07. Review status: criteria provided, single submitter. Criteria: ACMG Guidelines, 2015. Collection method: clinical testing. Allele origin: unknown.

Ambry Genetics
Classification: Benign for Cardiovascular phenotype. Last evaluated: 2018-08-29. Review status: criteria provided, single submitter. Criteria: Ambry Variant Classification Scheme 2023. Collection method: clinical testing. Allele origin: germline.

GeneDx
No classification provided. Last evaluated: 2014-10-15. Review status: no classification provided. Criteria: GeneDx Variant Classification (06012015). Collection method: clinical testing. Allele origin: germline. Affected: yes. Not counted in ClinVar's aggregate classification.
Comment: Missense variants in the TTN gene are considered 'unclassified' if they are not previously reported in the literature and do not have >1% frequency in the population to be considered a polymorphism. Research indicates that truncating mutations in the TTN gene are expected to account for approximately 25% of familial and 18% of sporadic idiopathic DCM; however, truncating variants in the TTN gene have been reported in approximately 3% of reported control alleles. There has been little investigation into non-truncating variants. (Herman D et al. Truncations of titin causing dilated cardiomyopathy. N Eng J Med 366:619-628, 2012) The variant is found in CARDIOMYOPATHY,DCM-CRDM panel(s).